The following is an entry in ClinVar:

NM_001258392.3(CLPB):c.161G>A (p.Gly54Glu)

Genes: CLPB (ClpB family mitochondrial disaggregase; minus strand), LOC130006336 (ATAC-STARR-seq lymphoblastoid active region 5191; plus strand). Cytogenetic location: 11q13.4.
Variant type: single nucleotide variant.
Coding change: c.161G>A on transcript NM_001258392.3 (MANE Select); coding-DNA position 161, G replaced by A.
Protein change: p.Gly54Glu; replaces glycine 54 with glutamic acid.
Molecular consequence: missense variant. On other transcripts: 5 prime UTR variant (1).
Genome position (GRCh38, 1-based): chr11:72,434,314, C>T on the plus strand (G>A on the coding strand, the complement: CLPB is on the minus strand). VCF-style: chr11-72434314-C-T. GRCh37 (hg19) VCF-style: chr11-72145358-C-T.
Other names: c.161G>A, p.Gly54Glu (NM_001258393.3, NM_030813.6); c.-82G>A (NM_001258394.3); short protein forms G54E.
Identifiers: ClinVar variation 4003803 (VCV004003803.2).

ClinVar aggregate classification (germline): Uncertain significance. Review status: criteria provided, multiple submitters, no conflicts (2 of 4 stars). 2 submissions from 2 submitters: Uncertain significance (2). Last evaluated 2025-10-23.

Conditions:
3-methylglutaconic aciduria, type VIIB (MGCA7B). Also called: 3-methylglutaconic aciduria with cataracts, neurologic involvement and neutropenia; 3-methylglutaconic aciduria, type VII, with cataracts, neurologic involvement and neutropenia; CLPB Deficiency. Identifiers: Orphanet 445038, MedGen C5676893, MONDO:0014561, OMIM 616271.
Inborn genetic diseases. Identifiers: MedGen C0950123, MeSH D030342.

gnomAD v4.1: 6 of 1,612,434 alleles (0.00037%); highest among the groups gnomAD compares: Non-Finnish European, 0.00051%; no homozygotes.

Submissions (2):

Labcorp Genetics (formerly Invitae), Labcorp
Classification: Uncertain significance for 3-methylglutaconic aciduria, type VIIB. Last evaluated: 2025-10-23. Review status: criteria provided, single submitter. Criteria: Invitae Variant Classification Sherloc (09022015). Collection method: clinical testing. Allele origin: germline.
Comment: This sequence change replaces glycine, which is neutral and non-polar, with glutamic acid, which is acidic and polar, at codon 54 of the CLPB protein (p.Gly54Glu). This variant is present in population databases (no rsID available, gnomAD 0.0009%). This variant has not been reported in the literature in individuals affected with CLPB-related conditions. ClinVar contains an entry for this variant (Variation ID: 4003803). An algorithm developed to predict the effect of missense changes on protein structure and function (PolyPhen-2) suggests that this variant is likely to be disruptive. In summary, the available evidence is currently insufficient to determine the role of this variant in disease. Therefore, it has been classified as a Variant of Uncertain Significance.

Ambry Genetics
Classification: Uncertain significance for Inborn genetic diseases. Last evaluated: 2025-05-19. Review status: criteria provided, single submitter. Criteria: Ambry Variant Classification Scheme 2023. Collection method: clinical testing. Allele origin: germline.